The following is an entry in ClinVar:

ClinVar aggregate classification (germline): Uncertain significance. Review status: criteria provided, multiple submitters, no conflicts (2 of 4 stars). 2 submissions from 2 submitters: Uncertain significance (2). Last evaluated 2022-08-16.

Conditions:
Congenital adrenal hyperplasia due to cytochrome P450 oxidoreductase deficiency. Also called: DISORDERED STEROIDOGENESIS DUE TO POR DEFICIENCY. Identifiers: Orphanet 95699, MedGen C1860042, MONDO:0013310, OMIM 613571.

Allele frequency attached by ClinVar (database versions not stated): gnomAD exomes below 0.00001; TOPMed below 0.00001.
gnomAD v4.1: 3 of 1,588,402 alleles (0.00019%); highest among the groups gnomAD compares: East Asian, 0.0046%; no homozygotes.

Submissions (2):

Labcorp Genetics (formerly Invitae), Labcorp
Classification: Uncertain significance for Congenital adrenal hyperplasia due to cytochrome P450 oxidoreductase deficiency. Last evaluated: 2022-08-16. Review status: criteria provided, single submitter. Criteria: Invitae Variant Classification Sherloc (09022015). Collection method: clinical testing. Allele origin: germline.
Comment: This sequence change replaces glycine, which is neutral and non-polar, with serine, which is neutral and polar, at codon 508 of the POR protein (p.Gly508Ser). The frequency data for this variant in the population databases is considered unreliable, as metrics indicate poor data quality at this position in the gnomAD database. This variant has not been reported in the literature in individuals affected with POR-related conditions. ClinVar contains an entry for this variant (Variation ID: 1488584). Algorithms developed to predict the effect of missense changes on protein structure and function (SIFT, PolyPhen-2, Align-GVGD) all suggest that this variant is likely to be tolerated. In summary, the available evidence is currently insufficient to determine the role of this variant in disease. Therefore, it has been classified as a Variant of Uncertain Significance.

Revvity Omics, Revvity
Classification: Uncertain significance. Last evaluated: 2022-06-22. Review status: criteria provided, single submitter. Criteria: ACMG Guidelines, 2015. Collection method: clinical testing. Allele origin: germline.

NM_001395413.1(POR):c.1513G>A (p.Gly505Ser)

Gene: POR (cytochrome p450 oxidoreductase; plus strand). Cytogenetic location: 7q11.23.
Variant type: single nucleotide variant.
Coding change: c.1513G>A on transcript NM_001395413.1 (MANE Select); coding-DNA position 1513, G replaced by A.
Protein change: p.Gly505Ser; replaces glycine 505 with serine.
Molecular consequence: missense variant.
Genome position (GRCh38, 1-based): chr7:75,985,702, G>A. VCF-style: chr7-75985702-G-A. GRCh37 (hg19) VCF-style: chr7-75615020-G-A.
Other names: c.1522G>A (NM_000941.3); c.1513G>A, p.Gly505Ser (NM_001367562.3, NM_001382657.2, NM_001382658.3 and 1 more transcripts); c.1567G>A, p.Gly523Ser (NM_001382655.3); c.1363G>A, p.Gly455Ser (NM_001382662.3); short protein forms G455S, G505S, G523S.
Identifiers: ClinVar variation 1488584 (VCV001488584.7), dbSNP rs547817208, ClinGen allele CA4304176.